The following is an entry in ClinVar:

ClinVar aggregate classification (germline): Uncertain significance (1 of 4 stars; one submission).

Submission:

Labcorp Genetics (formerly Invitae), Labcorp
Classification: Uncertain significance. Last evaluated: 2025-06-02. Review status: criteria provided, single submitter. Criteria: Invitae Variant Classification Sherloc (09022015). Collection method: clinical testing. Allele origin: germline.
Comment: This sequence change replaces glycine, which is neutral and non-polar, with arginine, which is basic and polar, at codon 224 of the SOX4 protein (p.Gly224Arg). This variant is not present in population databases (gnomAD no frequency). This variant has not been reported in the literature in individuals affected with SOX4-related conditions. Invitae Evidence Modeling of protein sequence and biophysical properties (such as structural, functional, and spatial information, amino acid conservation, physicochemical variation, residue mobility, and thermodynamic stability) indicates that this missense variant is not expected to disrupt SOX4 protein function with a negative predictive value of 95%. In summary, the available evidence is currently insufficient to determine the role of this variant in disease. Therefore, it has been classified as a Variant of Uncertain Significance.

NM_003107.3(SOX4):c.670G>C (p.Gly224Arg)

Gene: SOX4 (SRY-box transcription factor 4; plus strand). Cytogenetic location: 6p22.3.
Variant type: single nucleotide variant.
Coding change: c.670G>C on transcript NM_003107.3 (MANE Select); coding-DNA position 670, G replaced by C.
Protein change: p.Gly224Arg; replaces glycine 224 with arginine.
Molecular consequence: missense variant.
Genome position (GRCh38, 1-based): chr6:21,595,204, G>C. VCF-style: chr6-21595204-G-C. GRCh37 (hg19) VCF-style: chr6-21595435-G-C.
Other names: short protein forms G224R.
Identifiers: ClinVar variation 4754765 (VCV004754765.1).